The following is an entry in ClinVar:

NM_000448.3(RAG1):c.*589G>A

Gene: RAG1 (recombination activating 1; plus strand). Cytogenetic location: 11p12.
Variant type: single nucleotide variant.
Coding change: c.*589G>A on transcript NM_000448.3 (MANE Select); 589 bases downstream of the stop codon, G replaced by A.
Molecular consequence: 3 prime UTR variant.
Genome position (GRCh38, 1-based): chr11:36,577,025, G>A. VCF-style: chr11-36577025-G-A. GRCh37 (hg19) VCF-style: chr11-36598575-G-A.
Other names: c.*589G>A (NM_001377277.1, NM_001377278.1, NM_001377279.1 and 1 more transcripts).
Identifiers: ClinVar variation 304515 (VCV000304515.5), dbSNP rs4151038, ClinGen allele CA10634785.

ClinVar aggregate classification (germline): Benign. Review status: criteria provided, single submitter (1 of 4 stars). 2 submissions from 1 submitter: Benign (2). Last evaluated 2018-01-13.

Conditions:
Histiocytic medullary reticulosis. Also called: SEVERE COMBINED IMMUNODEFICIENCY WITH HYPEREOSINOPHILIA; Omenn syndrome. Identifiers: Orphanet 39041, MedGen C2700553, MONDO:0011338, OMIM 603554.
Severe combined immunodeficiency, autosomal recessive, T cell-negative, B cell-negative, NK cell-positive. Also called: SCID, T CELL-NEGATIVE, B CELL-NEGATIVE, NK CELL-POSITIVE; SCID, AR, T-cell negative, B-cell negative, NK cell-positive; Severe combined immunodeficiency due to complete RAG1/2 deficiency. Identifiers: Orphanet 331206, MedGen C1832322, MONDO:0011086, OMIM 601457.

Allele frequency attached by ClinVar (database versions not stated): gnomAD 0.01307 and 0.01403; 1000 Genomes Project 0.01478; 1000 Genomes Project 30x 0.01530; TOPMed 0.01538.

Submissions (2):

Illumina Laboratory Services, Illumina
Classification: Benign for Severe combined immunodeficiency, autosomal recessive, T cell-negative, B cell-negative, NK cell-positive. Last evaluated: 2018-01-13. Review status: criteria provided, single submitter. Criteria: ICSL Variant Classification Criteria 13 December 2019. Collection method: clinical testing. Allele origin: germline.
Comment: This variant was observed in the ICSL laboratory as part of a predisposition screen in an ostensibly healthy population. It had not been previously curated by ICSL or reported in the Human Gene Mutation Database (HGMD: prior to June 1st, 2018), and was therefore a candidate for classification through an automated scoring system. Utilizing variant allele frequency, disease prevalence and penetrance estimates, and inheritance mode, an automated score was calculated to assess if this variant is too frequent to cause the disease. Based on the score and internal cut-off values, a variant classified as benign is not then subjected to further curation. The score for this variant resulted in a classification of benign for this disease.

Illumina Laboratory Services, Illumina
Classification: Benign for Histiocytic medullary reticulosis. Last evaluated: 2018-01-13. Review status: criteria provided, single submitter. Criteria: ICSL Variant Classification Criteria 13 December 2019. Collection method: clinical testing. Allele origin: germline.
Comment: the same text as in the submission from Illumina Laboratory Services, Illumina above.